The following is an entry in ClinVar:

NM_014140.4(SMARCAL1):c.912G>T (p.Trp304Cys)

Gene: SMARCAL1 (SNF2 related chromatin remodeling annealing helicase 1; plus strand). Cytogenetic location: 2q35.
Variant type: single nucleotide variant.
Coding change: c.912G>T on transcript NM_014140.4 (MANE Select); coding-DNA position 912, G replaced by T.
Protein change: p.Trp304Cys; replaces tryptophan 304 with cysteine.
Molecular consequence: missense variant.
Genome position (GRCh38, 1-based): chr2:216,420,348, G>T. VCF-style: chr2-216420348-G-T. GRCh37 (hg19) VCF-style: chr2-217285071-G-T.
Other names: c.912G>T, p.Trp304Cys (NM_001127207.2); short protein forms W304C.
Identifiers: ClinVar variation 1956704 (VCV001956704.2), dbSNP rs778664200, ClinGen allele CA2097736.

ClinVar aggregate classification (germline): Uncertain significance (1 of 4 stars; one submission).

Conditions:
Schimke immuno-osseous dysplasia (SIOD). Also called: Schimke Immunoosseous Dysplasia. Identifiers: Orphanet 1830, MedGen C0877024, MONDO:0009458, OMIM 242900.

Allele frequency attached by ClinVar (database versions not stated): gnomAD exomes below 0.00001; ExAC 0.00001.
gnomAD v4.1: 2 of 1,614,158 alleles (0.00012%); highest among the groups gnomAD compares: Admixed American, 0.0033%; no homozygotes.

Submission:

Labcorp Genetics (formerly Invitae), Labcorp
Classification: Uncertain significance for Schimke immuno-osseous dysplasia. Last evaluated: 2022-02-27. Review status: criteria provided, single submitter. Criteria: Invitae Variant Classification Sherloc (09022015). Collection method: clinical testing. Allele origin: germline.
Comment: This sequence change replaces tryptophan, which is neutral and slightly polar, with cysteine, which is neutral and slightly polar, at codon 304 of the SMARCAL1 protein (p.Trp304Cys). This variant is present in population databases (rs778664200, gnomAD 0.006%). This variant has not been reported in the literature in individuals affected with SMARCAL1-related conditions. Algorithms developed to predict the effect of missense changes on protein structure and function are either unavailable or do not agree on the potential impact of this missense change (SIFT: "Deleterious"; PolyPhen-2: "Benign"; Align-GVGD: "Class C0"). In summary, the available evidence is currently insufficient to determine the role of this variant in disease. Therefore, it has been classified as a Variant of Uncertain Significance.